The following is an entry in ClinVar:

ClinVar aggregate classification (germline): Uncertain significance (1 of 4 stars; one submission).

gnomAD v4.1: 15 of 1,613,978 alleles (0.00093%); highest among the groups gnomAD compares: Admixed American, 0.02%; no homozygotes.

Submission:

Labcorp Genetics (formerly Invitae), Labcorp
Classification: Uncertain significance. Last evaluated: 2022-11-08. Review status: criteria provided, single submitter. Criteria: Invitae Variant Classification Sherloc (09022015). Collection method: clinical testing. Allele origin: germline.
Comment: This variant is present in population databases (no rsID available, gnomAD 0.006%). This sequence change replaces glycine, which is neutral and non-polar, with arginine, which is basic and polar, at codon 164 of the CRAT protein (p.Gly164Arg). This variant has not been reported in the literature in individuals affected with CRAT-related conditions. In summary, the available evidence is currently insufficient to determine the role of this variant in disease. Therefore, it has been classified as a Variant of Uncertain Significance. Advanced modeling of protein sequence and biophysical properties (such as structural, functional, and spatial information, amino acid conservation, physicochemical variation, residue mobility, and thermodynamic stability) performed at Invitae indicates that this missense variant is not expected to disrupt CRAT protein function.

NM_000755.5(CRAT):c.490G>A (p.Gly164Arg)

Gene: CRAT (carnitine O-acetyltransferase; minus strand). Cytogenetic location: 9q34.11.
Variant type: single nucleotide variant.
Coding change: c.490G>A on transcript NM_000755.5 (MANE Select); coding-DNA position 490, G replaced by A.
Protein change: p.Gly164Arg; replaces glycine 164 with arginine.
Molecular consequence: missense variant.
Genome position (GRCh38, 1-based): chr9:129,102,540, C>T on the plus strand (G>A on the coding strand, the complement: CRAT is on the minus strand). VCF-style: chr9-129102540-C-T. GRCh37 (hg19) VCF-style: chr9-131864819-C-T.
Other names: c.427G>A, p.Gly143Arg (NM_001257363.3, NM_001346548.2, NM_004003.4); c.493G>A, p.Gly165Arg (NM_001346546.2); c.490G>A, p.Gly164Arg (NM_001346547.2); c.370G>A, p.Gly124Arg (NM_001346549.2); short protein forms G164R, G143R, G124R, G165R.
Identifiers: ClinVar variation 2159933 (VCV002159933.4), dbSNP rs765377737, ClinGen allele CA375100226.